The following is an entry in ClinVar:

ClinVar aggregate classification (germline): Uncertain significance (1 of 4 stars; one submission).

Conditions:
Kabuki syndrome. Also called: NIIKAWA-KUROKI SYNDROME; Kabuki make-up syndrome. Identifiers: Orphanet 2322, MedGen C0796004, MONDO:0016512.

Submission:

Labcorp Genetics (formerly Invitae), Labcorp
Classification: Uncertain significance for Kabuki syndrome. Last evaluated: 2024-07-04. Review status: criteria provided, single submitter. Criteria: Invitae Variant Classification Sherloc (09022015). Collection method: clinical testing. Allele origin: germline.
Comment: This sequence change replaces histidine, which is basic and polar, with aspartic acid, which is acidic and polar, at codon 3355 of the KMT2D protein (p.His3355Asp). This variant is not present in population databases (gnomAD no frequency). This variant has not been reported in the literature in individuals affected with KMT2D-related conditions. Advanced modeling of protein sequence and biophysical properties (such as structural, functional, and spatial information, amino acid conservation, physicochemical variation, residue mobility, and thermodynamic stability) performed at Invitae indicates that this missense variant is not expected to disrupt KMT2D protein function with a negative predictive value of 95%. In summary, the available evidence is currently insufficient to determine the role of this variant in disease. Therefore, it has been classified as a Variant of Uncertain Significance.

NM_003482.4(KMT2D):c.10063C>G (p.His3355Asp)

Gene: KMT2D (lysine methyltransferase 2D; minus strand). Cytogenetic location: 12q13.12.
Variant type: single nucleotide variant.
Coding change: c.10063C>G on transcript NM_003482.4 (MANE Select); coding-DNA position 10063, C replaced by G.
Protein change: p.His3355Asp; replaces histidine 3355 with aspartic acid.
Molecular consequence: missense variant.
Genome position (GRCh38, 1-based): chr12:49,037,293, G>C on the plus strand (C>G on the coding strand, the complement: KMT2D is on the minus strand). VCF-style: chr12-49037293-G-C. GRCh37 (hg19) VCF-style: chr12-49431076-G-C.
Other names: short protein forms H3355D.
Identifiers: ClinVar variation 3719675 (VCV003719675.2).
Genomic context (GRCh38, chr12:49,037,293, plus strand): 5'-GCTGTGAGCTCTGCTGGGGTACCAAGCCTGCCTGCCCTCCATGCTGCCCACTTAGCATAT[G>C]CCCTTGATTGGACACCATAGCCATGGATGGAGCCAGGCGTTGCTGGAGGGCATGAGCTGG-3'
Protein context (NP_003473.3, residues 3345-3365): PSMAMVSNQG[His3355Asp]MLSGQHGGQA